The following is an entry in ClinVar:

ClinVar aggregate classification (germline): Uncertain significance. Review status: criteria provided, multiple submitters, no conflicts (2 of 4 stars). 2 submissions from 2 submitters: Uncertain significance (2). Last evaluated 2023-07-10.

Conditions:
Seizures, benign familial infantile, 3 (BFIS3). Also called: Familial neonatal seizures; CONVULSIONS, BENIGN FAMILIAL INFANTILE, 3. Identifiers: Orphanet 140927, Orphanet 306, MedGen C1843140, MONDO:0011904, OMIM 607745.
Developmental and epileptic encephalopathy, 11 (DEE11). Also called: Early infantile epileptic encephalopathy 11. Identifiers: Orphanet 1934, MedGen C3150987, MONDO:0013388, OMIM 613721.

Submissions (2):

Mayo Clinic Laboratories, Mayo Clinic
Classification: Uncertain significance. Last evaluated: 2023-07-10. Review status: criteria provided, single submitter. Criteria: ACMG Guidelines, 2015. Collection method: clinical testing. Allele origin: germline. Observed: 1 variant allele.
Comment: PP2, PP3, PM2_moderate

Labcorp Genetics (formerly Invitae), Labcorp
Classification: Uncertain significance for Benign familial neonatal-infantile seizures; Early infantile epileptic encephalopathy 11. Last evaluated: 2019-03-12. Review status: criteria provided, single submitter. Criteria: Invitae Variant Classification Sherloc (09022015). Collection method: clinical testing. Allele origin: germline.
Comment: This sequence change replaces lysine with glutamic acid at codon 1890 of the SCN2A protein (p.Lys1890Glu). The lysine residue is highly conserved and there is a small physicochemical difference between lysine and glutamic acid. This variant is not present in population databases (ExAC no frequency). This variant has not been reported in the literature in individuals with SCN2A-related conditions. Algorithms developed to predict the effect of missense changes on protein structure and function (SIFT, PolyPhen-2, Align-GVGD) all suggest that this variant is likely to be disruptive, but these predictions have not been confirmed by published functional studies and their clinical significance is uncertain. In summary, the available evidence is currently insufficient to determine the role of this variant in disease. Therefore, it has been classified as a Variant of Uncertain Significance.

NM_001040142.2(SCN2A):c.5668A>G (p.Lys1890Glu)

Gene: SCN2A (sodium voltage-gated channel alpha subunit 2; plus strand). Cytogenetic location: 2q24.3.
Variant type: single nucleotide variant.
Coding change: c.5668A>G on transcript NM_001040142.2 (MANE Select); coding-DNA position 5668, A replaced by G.
Protein change: p.Lys1890Glu; replaces lysine 1890 with glutamic acid.
Molecular consequence: missense variant.
Genome position (GRCh38, 1-based): chr2:165,389,474, A>G. VCF-style: chr2-165389474-A-G. GRCh37 (hg19) VCF-style: chr2-166245984-A-G.
Other names: p.Lys1890Glu; c.5668A>G, p.Lys1890Glu (NM_001040143.2, NM_001371246.1, NM_001371247.1 and 1 more transcripts); short protein forms K1890E.
Identifiers: ClinVar variation 860579 (VCV000860579.2), dbSNP rs1553463817, ClinGen allele CA349039734.